The following is an entry in ClinVar:

ClinVar aggregate classification (germline): Uncertain significance (1 of 4 stars; one submission).

Conditions:
Inborn genetic diseases. Identifiers: MedGen C0950123, MeSH D030342.

Submission:

Ambry Genetics
Classification: Uncertain significance for Inborn genetic diseases. Last evaluated: 2017-10-04. Review status: criteria provided, single submitter. Criteria: Ambry Variant Classification Scheme 2023. Collection method: clinical testing. Allele origin: germline.
Comment: The p.A1659P variant (also known as c.4975G>C), located in coding exon 26 of the SCN2A gene, results from a G to C substitution at nucleotide position 4975. The alanine at codon 1659 is replaced by proline, an amino acid with highly similar properties. This amino acid position is highly conserved in available vertebrate species. In addition, this alteration is predicted to be deleterious by in silico analysis. Since supporting evidence is limited at this time, the clinical significance of this alteration remains unclear.

NM_001040142.2(SCN2A):c.4975G>C (p.Ala1659Pro)

Gene: SCN2A (sodium voltage-gated channel alpha subunit 2; plus strand). Cytogenetic location: 2q24.3.
Variant type: single nucleotide variant.
Coding change: c.4975G>C on transcript NM_001040142.2 (MANE Select); coding-DNA position 4975, G replaced by C.
Protein change: p.Ala1659Pro; replaces alanine 1659 with proline.
Molecular consequence: missense variant.
Genome position (GRCh38, 1-based): chr2:165,388,781, G>C. VCF-style: chr2-165388781-G-C. GRCh37 (hg19) VCF-style: chr2-166245291-G-C.
Other names: c.4975G>C, p.Ala1659Pro (NM_001040143.2, NM_001371246.1, NM_001371247.1 and 1 more transcripts); short protein forms A1659P.
Identifiers: ClinVar variation 1744491 (VCV001744491.2), dbSNP rs2468157837, ClinGen allele CA349037908.
Genomic context (GRCh38, chr2:165,388,781, plus strand): 5'-CTGATCAAAGGAGCAAAGGGGATCCGCACGCTGCTCTTTGCTTTGATGATGTCCCTTCCT[G>C]CGTTGTTTAACATCGGCCTCCTTCTTTTCCTGGTCATGTTCATCTACGCCATCTTTGGGA-3'
Protein context (NP_001035232.1, residues 1649-1669): LLFALMMSLP[Ala1659Pro]LFNIGLLLFL